The following is an entry in ClinVar:

NM_004928.3(CFAP410):c.97A>G (p.Ile33Val)

Gene: CFAP410 (cilia and flagella associated protein 410; minus strand). Cytogenetic location: 21q22.3.
Variant type: single nucleotide variant.
Coding change: c.97A>G on transcript NM_004928.3 (MANE Select); coding-DNA position 97, A replaced by G.
Protein change: p.Ile33Val; replaces isoleucine 33 with valine.
Molecular consequence: missense variant. On other transcripts: 5 prime UTR variant (1).
Genome position (GRCh38, 1-based): chr21:44,335,804, T>C on the plus strand (A>G on the coding strand, the complement: CFAP410 is on the minus strand). VCF-style: chr21-44335804-T-C. GRCh37 (hg19) VCF-style: chr21-45755687-T-C.
Other names: c.97A>G, p.Ile33Val (NM_001271440.2, NM_001271441.2); c.-18A>G (NM_001271442.1); short protein forms I33V.
Identifiers: ClinVar variation 1943469 (VCV001943469.5), dbSNP rs2518062060, ClinGen allele CA410459004.
Genomic context (GRCh38, chr21:44,335,804, plus strand): 5'-CAGGAGCGAGGTACCTGAGCGTGATCACCTCCAGGCTGGGCATCTCCTGGCAAATGGAGA[T>C]CTAGGAGGAAAAGAACATGACTAGCAAGCATGGCACAGCAGGGCATCGCGGCCGCACTGC-3'
Protein context (NP_004919.1, residues 23-43): LNCWGSRLTD[Ile33Val]SICQEMPSLE

ClinVar aggregate classification (germline): Uncertain significance (1 of 4 stars; one submission).

Allele frequency attached by ClinVar (database versions not stated): gnomAD exomes below 0.00001.
gnomAD v4.1: 5 of 1,587,878 alleles (0.00031%); highest among the groups gnomAD compares: South Asian, 0.0023%; no homozygotes.

Submission:

Labcorp Genetics (formerly Invitae), Labcorp
Classification: Uncertain significance. Last evaluated: 2023-08-10. Review status: criteria provided, single submitter. Criteria: Invitae Variant Classification Sherloc (09022015). Collection method: clinical testing. Allele origin: germline.
Comment: In summary, the available evidence is currently insufficient to determine the role of this variant in disease. Therefore, it has been classified as a Variant of Uncertain Significance. Algorithms developed to predict the effect of missense changes on protein structure and function output the following: SIFT: "Not Available"; PolyPhen-2: "Benign"; Align-GVGD: "Not Available". The valine amino acid residue is found in multiple mammalian species, which suggests that this missense change does not adversely affect protein function. ClinVar contains an entry for this variant (Variation ID: 1943469). This variant has not been reported in the literature in individuals affected with CFAP410-related conditions. This variant is not present in population databases (gnomAD no frequency). This sequence change replaces isoleucine, which is neutral and non-polar, with valine, which is neutral and non-polar, at codon 33 of the CFAP410 protein (p.Ile33Val).